The following is an entry in ClinVar:

ClinVar aggregate classification (germline): Uncertain significance. Review status: criteria provided, multiple submitters, no conflicts (2 of 4 stars). 2 submissions from 2 submitters: Uncertain significance (2). Last evaluated 2025-11-03.

Conditions:
Inborn genetic diseases. Identifiers: MedGen C0950123, MeSH D030342.

gnomAD v4.1: 32 of 1,578,866 alleles (0.002%); highest among the groups gnomAD compares: African/African-American, 0.0027%; no homozygotes.

Submissions (2):

Labcorp Genetics (formerly Invitae), Labcorp
Classification: Uncertain significance. Last evaluated: 2025-11-03. Review status: criteria provided, single submitter. Criteria: Invitae Variant Classification Sherloc (09022015). Collection method: clinical testing. Allele origin: germline.
Comment: This sequence change replaces glutamic acid, which is acidic and polar, with lysine, which is basic and polar, at codon 274 of the HOMER2 protein (p.Glu274Lys). The frequency data for this variant in the population databases is considered unreliable, as metrics indicate poor data quality at this position in the gnomAD database. This variant has not been reported in the literature in individuals affected with HOMER2-related conditions. ClinVar contains an entry for this variant (Variation ID: 3526155). An algorithm developed to predict the effect of missense changes on protein structure and function (PolyPhen-2) suggests that this variant is likely to be tolerated. In summary, the available evidence is currently insufficient to determine the role of this variant in disease. Therefore, it has been classified as a Variant of Uncertain Significance.

Ambry Genetics
Classification: Uncertain significance for Inborn genetic diseases. Last evaluated: 2024-09-24. Review status: criteria provided, single submitter. Criteria: Ambry Variant Classification Scheme 2023. Collection method: clinical testing. Allele origin: germline.

NM_004839.4(HOMER2):c.820G>A (p.Glu274Lys)

Gene: HOMER2 (homer scaffold protein 2; minus strand). Cytogenetic location: 15q25.2.
Variant type: single nucleotide variant.
Coding change: c.820G>A on transcript NM_004839.4 (MANE Select); coding-DNA position 820, G replaced by A.
Protein change: p.Glu274Lys; replaces glutamic acid 274 with lysine.
Molecular consequence: missense variant.
Genome position (GRCh38, 1-based): chr15:82,851,174, C>T on the plus strand (G>A on the coding strand, the complement: HOMER2 is on the minus strand). VCF-style: chr15-82851174-C-T. GRCh37 (hg19) VCF-style: chr15-83519926-C-T.
Other names: c.853G>A, p.Glu285Lys (NM_199330.3); short protein forms E274K, E285K.
Identifiers: ClinVar variation 3526155 (VCV003526155.2).